The following is an entry in ClinVar:

NM_001365276.2(TNXB):c.1502G>C (p.Cys501Ser)

Gene: TNXB (tenascin XB; minus strand). Cytogenetic location: 6p21.33.
Variant type: single nucleotide variant.
Coding change: c.1502G>C on transcript NM_001365276.2 (MANE Select); coding-DNA position 1502, G replaced by C.
Protein change: p.Cys501Ser; replaces cysteine 501 with serine.
Molecular consequence: missense variant.
Genome position (GRCh38, 1-based): chr6:32,096,351, C>G on the plus strand (G>C on the coding strand, the complement: TNXB is on the minus strand). VCF-style: chr6-32096351-C-G. GRCh37 (hg19) VCF-style: chr6-32064128-C-G.
Other names: c.1502G>C, p.Cys501Ser (NM_019105.8); short protein forms C501S.
Identifiers: ClinVar variation 1774041 (VCV001774041.2), dbSNP rs2483757143, ClinGen allele CA363480611.

ClinVar aggregate classification (germline): Uncertain significance (1 of 4 stars; one submission).

Conditions:
Cardiovascular phenotype. Identifiers: MedGen CN230736.

Submission:

Ambry Genetics
Classification: Uncertain significance for Cardiovascular phenotype. Last evaluated: 2022-04-03. Review status: criteria provided, single submitter. Criteria: Ambry Variant Classification Scheme 2023. Collection method: clinical testing. Allele origin: germline.
Comment: The p.C501S variant (also known as c.1502G>C), located in coding exon 2 of the TNXB gene, results from a G to C substitution at nucleotide position 1502. The cysteine at codon 501 is replaced by serine, an amino acid with dissimilar properties. This amino acid position is conserved. In addition, the in silico prediction for this alteration is inconclusive. Since supporting evidence is limited at this time, the clinical significance of this alteration remains unclear.